The following is an entry in ClinVar:

NM_001348484.3(RIMS2):c.2641T>C (p.Leu881=)

Gene: RIMS2 (regulating synaptic membrane exocytosis 2; plus strand). Cytogenetic location: 8q22.3.
Variant type: single nucleotide variant.
Coding change: c.2641T>C on transcript NM_001348484.3 (MANE Select); coding-DNA position 2641, T replaced by C.
Protein change: p.Leu881=; no amino-acid change (leucine 881 retained).
Molecular consequence: synonymous variant. On other transcripts: non-coding transcript variant (2).
Genome position (GRCh38, 1-based): chr8:103,936,591, T>C. VCF-style: chr8-103936591-T-C. GRCh37 (hg19) VCF-style: chr8-104948819-T-C.
Other names: c.1792T>C, p.Leu598= (NM_001348509.2, NM_014677.5, NM_001348498.2 and 7 more transcripts); c.2428T>C, p.Leu810= (NM_001395652.1); c.2500T>C, p.Leu834= (NM_001395653.1, NM_001395654.1, NM_001348488.2); c.2416T>C, p.Leu806= (NM_001100117.3); c.1933T>C, p.Leu645= (NM_001282881.2, NM_001348505.2); c.2368T>C, p.Leu790= (NM_001348485.2, NM_001348489.2, NM_001348493.2); c.2521T>C, p.Leu841= (NM_001348486.2); c.2380T>C, p.Leu794= (NM_001348487.2, NM_001348490.2, NM_001348492.2 and 1 more transcripts); and 4 more.
Identifiers: ClinVar variation 2658736 (VCV002658736.24), dbSNP rs542037196, ClinGen allele CA4837089.

ClinVar aggregate classification (germline): Likely benign (1 of 4 stars; one submission).

Allele frequency attached by ClinVar (database versions not stated): gnomAD 0.00003.
gnomAD v4.1: 56 of 1,600,610 alleles (0.0035%); highest among the groups gnomAD compares: Admixed American, 0.012%; no homozygotes.

Submission:

CeGaT Center for Human Genetics Tuebingen
Classification: Likely benign. Last evaluated: 2022-06-01. Review status: criteria provided, single submitter. Criteria: CeGaT Center For Human Genetics Tuebingen Variant Classification Criteria Version 2. Collection method: clinical testing. Allele origin: germline. Affected: yes. Observed: 1 variant allele.
Comment: RIMS2: BP4, BP7